The following is an entry in ClinVar:

NM_002317.7(LOX):c.484C>T (p.Arg162Cys)

Genes: LOX (lysyl oxidase; minus strand), SRFBP1 (serum response factor binding protein 1; plus strand). Cytogenetic location: 5q23.1.
Variant type: single nucleotide variant.
Coding change: c.484C>T on transcript NM_002317.7 (MANE Select); coding-DNA position 484, C replaced by T.
Protein change: p.Arg162Cys; replaces arginine 162 with cysteine.
Molecular consequence: missense variant.
Genome position (GRCh38, 1-based): chr5:122,077,502, G>A on the plus strand (C>T on the coding strand, the complement: LOX is on the minus strand). VCF-style: chr5-122077502-G-A. GRCh37 (hg19) VCF-style: chr5-121413197-G-A.
Other names: short protein forms R162C.
Identifiers: ClinVar variation 1310179 (VCV001310179.4), dbSNP rs2152591293, ClinGen allele CA360875994.

ClinVar aggregate classification (germline): Uncertain significance. Review status: criteria provided, multiple submitters, no conflicts (2 of 4 stars). 2 submissions from 2 submitters: Uncertain significance (2). Last evaluated 2021-12-08.

Conditions:
Cardiovascular phenotype. Identifiers: MedGen CN230736.

Submissions (2):

Ambry Genetics
Classification: Uncertain significance for Cardiovascular phenotype. Last evaluated: 2021-12-08. Review status: criteria provided, single submitter. Criteria: Ambry Variant Classification Scheme 2023. Collection method: clinical testing. Allele origin: germline.
Comment: The p.R162C variant (also known as c.484C>T), located in coding exon 1 of the LOX gene, results from a C to T substitution at nucleotide position 484. The arginine at codon 162 is replaced by cysteine, an amino acid with highly dissimilar properties. This amino acid position is conserved. In addition, this alteration is predicted to be tolerated by in silico analysis. Since supporting evidence is limited at this time, the clinical significance of this alteration remains unclear.

GeneDx
Classification: Uncertain significance. Last evaluated: 2019-11-12. Review status: criteria provided, single submitter. Criteria: GeneDx Variant Classification Process June 2021. Collection method: clinical testing. Allele origin: germline. Affected: yes.
Comment: Has not been previously published as pathogenic or benign to our knowledge; Not observed in large population cohorts (Lek et al., 2016); In silico analysis, which includes protein predictors and evolutionary conservation, supports a deleterious effect